The following is an entry in ClinVar:

NM_001009944.3(PKD1):c.3227del (p.Pro1076fs)

Gene: PKD1 (polycystin 1, transient receptor potential channel interacting; minus strand). Cytogenetic location: 16p13.3.
Variant type: Deletion.
Coding change: c.3227del on transcript NM_001009944.3 (MANE Select); coding-DNA position 3227, one base deleted (C; older notation c.3227delC).
Protein change: p.Pro1076fs; shifts the reading frame from proline 1076.
Molecular consequence: frameshift variant.
Genome position (GRCh38, 1-based): chr16:2,112,408, G deleted on the plus strand (C on the coding strand, the reverse complement: PKD1 is on the minus strand); the first of 3 consecutive G bases (chr16:2,112,408-2,112,410); deleting any one gives the same sequence. VCF-style (leftmost placement, unchanged base first): chr16-2112407-CG-C. GRCh37 (hg19) VCF-style: chr16-2162408-CG-C.
Other names: c.3227del, p.Pro1076fs (NM_000296.4); short protein forms P1076fs.
Identifiers: ClinVar variation 4879621 (VCV004879621.1).

ClinVar aggregate classification (germline): Pathogenic (1 of 4 stars; one submission).

Conditions:
Polycystic kidney disease, adult type (PKD1). Also called: Polycystic Kidney Disease 1, Autosomal Dominant; Polycystic kidney disease 1; Polycystic kidney disease 1, severe; POLYCYSTIC KIDNEY DISEASE, ADULT, TYPE I; Polycystic Kidney, Autosomal Dominant; POLYCYSTIC KIDNEY DISEASE 1 WITH OR WITHOUT POLYCYSTIC LIVER DISEASE. Identifiers: MedGen C3149841, MONDO:0008263, OMIM 173900.

Submission:

Victorian Clinical Genetics Services, Murdoch Childrens Research Institute
Classification: Pathogenic for Polycystic kidney disease, adult type. Last evaluated: 2026-04-17. Review status: criteria provided, single submitter. Criteria: ACMG Guidelines, 2015. Collection method: clinical testing. Allele origin: germline. Affected: yes.
Comment: This variant is classified as Pathogenic. Evidence in support of pathogenic classification: Variant is predicted to cause nonsense-mediated decay (NMD) and loss of protein (premature termination codon is located at least 54 nucleotides upstream of the final exon-exon junction); Variant is absent from gnomAD (v2, v3 and v4); Other NMD-predicted variant(s) comparable to the one identified in this case have very strong previous evidence for pathogenicity (DECIPHER). Additional information: This variant is heterozygous; This gene is associated with autosomal dominant disease. Polycystic kidney disease 1 (MIM#173900) is predominantly caused by monoallelic variants, with rare reports of biallelic variants causing disease (OMIM); Loss of function is a known mechanism of disease in this gene and is associated with polycystic kidney disease 1 (MIM#173900); Inheritance information for this variant is not currently available in this individual.